The following is an entry in ClinVar:

ClinVar aggregate classification (germline): Likely benign. Review status: criteria provided, multiple submitters, no conflicts (2 of 4 stars). 3 submissions from 3 submitters: Likely benign (2). 1 of the submissions does not count toward it. Last evaluated 2025-07-25.

Conditions:
Dyskeratosis congenita. Identifiers: Orphanet 1775, MedGen C0265965, MONDO:0015780.

Allele frequency attached by ClinVar (database versions not stated): gnomAD 0.00003 and 0.00004; TOPMed 0.00004.
gnomAD v4.1: 78 of 1,613,866 alleles (0.0048%); highest among the groups gnomAD compares: East Asian, 0.022%; no homozygotes.

Submissions (3):

Labcorp Genetics (formerly Invitae), Labcorp
Classification: Likely benign for Dyskeratosis congenita. Last evaluated: 2025-07-25. Review status: criteria provided, single submitter. Criteria: Invitae Variant Classification Sherloc (09022015). Collection method: clinical testing. Allele origin: germline.

CeGaT Center for Human Genetics Tuebingen
Classification: Likely benign. Last evaluated: 2024-08-01. Review status: criteria provided, single submitter. Criteria: CeGaT Center For Human Genetics Tuebingen Variant Classification Criteria Version 2. Collection method: clinical testing. Allele origin: germline. Affected: yes. Observed: 1 variant allele.
Comment: CTC1: BP4, BP7

Genetic Services Laboratory, University of Chicago
Classification: Likely benign. Last evaluated: 2022-05-06. Review status: no assertion criteria provided. Collection method: clinical testing. Allele origin: germline. Affected: no. Not counted in ClinVar's aggregate classification.

NM_025099.6(CTC1):c.258G>A (p.Ser86=)

Gene: CTC1 (CST telomere replication complex component 1; minus strand). Cytogenetic location: 17p13.1.
Variant type: single nucleotide variant.
Coding change: c.258G>A on transcript NM_025099.6 (MANE Select); coding-DNA position 258, G replaced by A.
Protein change: p.Ser86=; no amino-acid change (serine 86 retained).
Molecular consequence: synonymous variant. On other transcripts: non-coding transcript variant (1).
Genome position (GRCh38, 1-based): chr17:8,238,569, C>T on the plus strand (G>A on the coding strand, the complement: CTC1 is on the minus strand). VCF-style: chr17-8238569-C-T. GRCh37 (hg19) VCF-style: chr17-8141887-C-T.
Identifiers: ClinVar variation 704839 (VCV000704839.28), dbSNP rs369789111, ClinGen allele CA8372665.